The following is an entry in ClinVar:

ClinVar aggregate classification (germline): Pathogenic (1 of 4 stars; one submission).

Conditions:
Myofibrillar myopathy 6. Identifiers: Orphanet 199340, MedGen C2751831, MONDO:0013061, OMIM 612954.
Dilated cardiomyopathy 1HH (CMD1HH). Identifiers: Orphanet 154, MedGen C3151293, MONDO:0013479, OMIM 613881.

Submission:

Labcorp Genetics (formerly Invitae), Labcorp
Classification: Pathogenic for Dilated cardiomyopathy 1HH; Myofibrillar myopathy 6. Last evaluated: 2019-03-23. Review status: criteria provided, single submitter. Criteria: Invitae Variant Classification Sherloc (09022015). Collection method: clinical testing. Allele origin: germline.
Comment: This sequence change creates a premature translational stop signal (p.Trp49*) in the BAG3 gene. It is expected to result in an absent or disrupted protein product. This variant is not present in population databases (ExAC no frequency). This variant has not been reported in the literature in individuals with BAG3-related disease. ClinVar contains an entry for this variant (Variation ID: 566338). Algorithms developed to predict the effect of sequence changes on RNA splicing suggest that this variant may create or strengthen a splice site, but this prediction has not been confirmed by published transcriptional studies. Loss-of-function variants in BAG3 are known to be pathogenic (PMID: 21353195, 25008357). For these reasons, this variant has been classified as Pathogenic.

Literature cited by the submitters: PubMed 21353195; PubMed 25008357.

NM_004281.4(BAG3):c.146G>A (p.Trp49Ter)

Gene: BAG3 (BAG cochaperone 3; plus strand). Cytogenetic location: 10q26.11.
Variant type: single nucleotide variant.
Coding change: c.146G>A on transcript NM_004281.4 (MANE Select); coding-DNA position 146, G replaced by A.
Protein change: p.Trp49Ter; replaces tryptophan 49 with a stop codon.
Molecular consequence: nonsense.
Genome position (GRCh38, 1-based): chr10:119,651,821, G>A. VCF-style: chr10-119651821-G-A. GRCh37 (hg19) VCF-style: chr10-121411333-G-A.
Other names: short protein forms W49*.
Identifiers: ClinVar variation 566338 (VCV000566338.8), dbSNP rs1564767043, ClinGen allele CA378294273.